The following is an entry in ClinVar:

ClinVar aggregate classification (germline): Likely pathogenic (1 of 4 stars; one submission).

Conditions:
Danon disease. Also called: ANTOPOL DISEASE; PSEUDOGLYCOGENOSIS II; GSD IIb; LYSOSOMAL GLYCOGEN STORAGE DISEASE WITHOUT ACID MALTASE DEFICIENCY; Glycogen Storage Disease Type IIb. Identifiers: Orphanet 34587, MedGen C0878677, MONDO:0010281, OMIM 300257.

Submission:

Labcorp Genetics (formerly Invitae), Labcorp
Classification: Likely pathogenic for Danon disease. Last evaluated: 2024-02-12. Review status: criteria provided, single submitter. Criteria: Invitae Variant Classification Sherloc (09022015). Collection method: clinical testing. Allele origin: germline.
Comment: This variant results in the deletion of part of exon 2 (c.183_183+4del) of the LAMP2 gene. It is expected to disrupt RNA splicing. Variants that disrupt the donor or acceptor splice site typically lead to a loss of protein function (PMID: 16199547), and loss-of-function variants in LAMP2 are known to be pathogenic (PMID: 21415759). This variant is not present in population databases (gnomAD no frequency). This variant has not been reported in the literature in individuals affected with LAMP2-related conditions. Algorithms developed to predict the effect of sequence changes on RNA splicing suggest that this variant may disrupt the consensus splice site. In summary, the currently available evidence indicates that the variant is pathogenic, but additional data are needed to prove that conclusively. Therefore, this variant has been classified as Likely Pathogenic.

Literature cited by the submitters: PubMed 16199547; PubMed 21415759.

NM_002294.3(LAMP2):c.183_183+4del

Gene: LAMP2 (lysosome associated membrane protein 2; minus strand). Cytogenetic location: Xq24.
Variant type: Deletion.
Coding change: c.183_183+4del on transcript NM_002294.3 (MANE Select); coding-DNA position 183 through 4 bases into the intron after coding-DNA position 183, 5 bases deleted (TGTAA; older notation c.183_183+4delTGTAA).
Molecular consequence: splice donor variant.
Genome position (GRCh38, 1-based): chrX:120,456,647-120,456,651, TTACA deleted on the plus strand (TGTAA on the coding strand, the reverse complement: LAMP2 is on the minus strand); deleting any 5 consecutive bases within chrX:120,456,647-120,456,652 gives the same sequence; the c. name uses the placement nearest the transcript's 3' end. VCF-style (leftmost placement, unchanged base first): chrX-120456646-CTTACA-C. GRCh37 (hg19) VCF-style: chrX-119590501-CTTACA-C.
Other names: c.183_183+4del (NM_001122606.1, NM_013995.2).
Identifiers: ClinVar variation 2708755 (VCV002708755.3), dbSNP rs2520912484, ClinGen allele CA2697544738.
Genomic context (GRCh38, chrX:120,456,646, plus strand): 5'-CTAAAGGATAAAGTCAATTAAATTCCTACTATAAAACTCAAAGAAAAATTAAAATATATA[CTTACA>C]TAAGTTTTATTTGTAGTTTCATAGCGTACTGTGAAATTCATCTGCCATTTTGCATAAAGG-3'